The following is an entry in ClinVar:

NC_000015.9:g.(?_89862162)_(89864159_?)del

Gene: POLG (DNA polymerase gamma, catalytic subunit; minus strand). Cytogenetic location: 15q26.1.
Variant type: Deletion.
Identifiers: ClinVar variation 3243755 (VCV003243755.1).

ClinVar aggregate classification (germline): Pathogenic (1 of 4 stars; one submission).

Conditions:
Progressive sclerosing poliodystrophy (MTDPS4A). Also called: ALPERS PROGRESSIVE INFANTILE POLIODYSTROPHY; NEURONAL DEGENERATION OF CHILDHOOD WITH LIVER DISEASE, PROGRESSIVE; Mitochondrial DNA Depletion Syndrome 4A; Alpers-Huttenlocher Syndrome (AHS); Alpers Syndrome; ALPERS DIFFUSE DEGENERATION OF CEREBRAL GRAY MATTER WITH HEPATIC CIRRHOSIS. Identifiers: Orphanet 726, MedGen C0205710, MONDO:0008758, OMIM 203700.

Submission:

Labcorp Genetics (formerly Invitae), Labcorp
Classification: Pathogenic for Progressive sclerosing poliodystrophy. Last evaluated: 2022-02-03. Review status: criteria provided, single submitter. Criteria: Invitae Variant Classification Sherloc (09022015). Collection method: clinical testing. Allele origin: unknown.
Comment: For these reasons, this variant has been classified as Pathogenic. This variant has not been reported in the literature in individuals affected with POLG-related conditions. This variant results in the deletion of exons 19-20 and part of exon 18 (c.2819_3273del) of the POLG gene. This deletion is out-of-frame, and is expected to create a premature termination codon and result in an absent or disrupted protein product. Loss-of-function variants in POLG are known to be pathogenic (PMID: 18546365).

Literature cited by the submitters: PubMed 18546365.